The following is an entry in ClinVar:

ClinVar aggregate classification (germline): Likely benign (0 of 4 stars; one submission).

Conditions:
MDN1-related disorder. Also called: MDN1-related condition.

Allele frequency attached by ClinVar (database versions not stated): TOPMed 0.00023; ESP Exome Variant Server 0.00031; 1000 Genomes Project 30x 0.00062; 1000 Genomes Project 0.00080.
gnomAD v4.1: 574 of 1,613,970 alleles (0.036%); highest among the groups gnomAD compares: Middle Eastern, 0.15%; no homozygotes.

Submission:

PreventionGenetics, part of Exact Sciences
Classification: Likely benign for MDN1-related condition. Last evaluated: 2019-05-24. Review status: no assertion criteria provided. Collection method: clinical testing. Allele origin: germline.
Comment: This variant is classified as likely benign based on ACMG/AMP sequence variant interpretation guidelines (Richards et al. 2015 PMID: 25741868, with internal and published modifications).

NM_014611.3(MDN1):c.3864C>T (p.Thr1288=)

Gene: MDN1 (midasin AAA ATPase 1; minus strand). Cytogenetic location: 6q15.
Variant type: single nucleotide variant.
Coding change: c.3864C>T on transcript NM_014611.3 (MANE Select); coding-DNA position 3864, C replaced by T.
Protein change: p.Thr1288=; no amino-acid change (threonine 1288 retained).
Molecular consequence: synonymous variant.
Genome position (GRCh38, 1-based): chr6:89,747,369, G>A on the plus strand (C>T on the coding strand, the complement: MDN1 is on the minus strand). VCF-style: chr6-89747369-G-A. GRCh37 (hg19) VCF-style: chr6-90457088-G-A.
Identifiers: ClinVar variation 3039026 (VCV003039026.2), dbSNP rs370668260, ClinGen allele CA3925251.